The following is an entry in ClinVar:

ClinVar aggregate classification (germline): Uncertain significance. Review status: criteria provided, multiple submitters, no conflicts (2 of 4 stars). 2 submissions from 2 submitters: Uncertain significance (2). Last evaluated 2025-09-01.

Conditions:
Charcot-Marie-Tooth disease type 2. Also called: Charcot-Marie-Tooth type 2. Identifiers: Orphanet 64746, MedGen C0270914, MONDO:0018993.

Allele frequency attached by ClinVar (database versions not stated): gnomAD exomes below 0.00001.
gnomAD v4.1: 1 of 1,614,120 alleles (0.000062%); highest among the groups gnomAD compares: Non-Finnish European, 0.000085%; no homozygotes.

Submissions (2):

Labcorp Genetics (formerly Invitae), Labcorp
Classification: Uncertain significance for Charcot-Marie-Tooth disease type 2. Last evaluated: 2025-09-01. Review status: criteria provided, single submitter. Criteria: Invitae Variant Classification Sherloc (09022015). Collection method: clinical testing. Allele origin: germline.
Comment: This sequence change replaces threonine, which is neutral and polar, with serine, which is neutral and polar, at codon 639 of the AARS protein (p.Thr639Ser). This variant is present in population databases (no rsID available, gnomAD 0.002%). This variant has not been reported in the literature in individuals affected with AARS-related conditions. ClinVar contains an entry for this variant (Variation ID: 2186512). Invitae Evidence Modeling of protein sequence and biophysical properties (such as structural, functional, and spatial information, amino acid conservation, physicochemical variation, residue mobility, and thermodynamic stability) indicates that this missense variant is not expected to disrupt AARS protein function with a negative predictive value of 95%. In summary, the available evidence is currently insufficient to determine the role of this variant in disease. Therefore, it has been classified as a Variant of Uncertain Significance.

Blueprint Genetics
Classification: Uncertain significance. Last evaluated: 2021-11-18. Review status: criteria provided, single submitter. Criteria: ACMG Guidelines, 2015. Collection method: clinical testing. Allele origin: germline.

NM_001605.3(AARS1):c.1915A>T (p.Thr639Ser)

Gene: AARS1 (alanyl-tRNA synthetase 1; minus strand). Cytogenetic location: 16q22.1.
Variant type: single nucleotide variant.
Coding change: c.1915A>T on transcript NM_001605.3 (MANE Select); coding-DNA position 1915, A replaced by T.
Protein change: p.Thr639Ser; replaces threonine 639 with serine.
Molecular consequence: missense variant.
Genome position (GRCh38, 1-based): chr16:70,259,057, T>A on the plus strand (A>T on the coding strand, the complement: AARS1 is on the minus strand). VCF-style: chr16-70259057-T-A. GRCh37 (hg19) VCF-style: chr16-70292960-T-A.
Other names: short protein forms T639S.
Identifiers: ClinVar variation 2186512 (VCV002186512.5), dbSNP rs1225068897, ClinGen allele CA396558052.